The following is an entry in ClinVar:

NM_003701.4(TNFSF11):c.45G>A (p.Ser15=)

Genes: TNFSF11 (TNF superfamily member 11; plus strand), LOC130009662 (ATAC-STARR-seq lymphoblastoid silent region 5301; plus strand). Cytogenetic location: 13q14.11.
Variant type: single nucleotide variant.
Coding change: c.45G>A on transcript NM_003701.4 (MANE Select); coding-DNA position 45, G replaced by A.
Protein change: p.Ser15=; no amino-acid change (serine 15 retained).
Molecular consequence: synonymous variant. On other transcripts: intron variant (1).
Genome position (GRCh38, 1-based): chr13:42,574,348, G>A. VCF-style: chr13-42574348-G-A. GRCh37 (hg19) VCF-style: chr13-43148484-G-A.
Other names: c.-1+2610G>A (NM_033012.4).
Identifiers: ClinVar variation 312227 (VCV000312227.16), dbSNP rs200121871, ClinGen allele CA6967110.

ClinVar aggregate classification (germline): Likely benign. Review status: criteria provided, multiple submitters, no conflicts (2 of 4 stars). 5 submissions from 5 submitters: Likely benign (4). 1 of the submissions does not count toward it. Last evaluated 2026-01-25.

Conditions:
Autosomal recessive osteopetrosis 2. Also called: OSTEOPETROSIS, MILD AUTOSOMAL RECESSIVE FORM. Identifiers: Orphanet 667, MedGen C1850126, MONDO:0009816, OMIM 259710.
TNFSF11-related disorder. Also called: TNFSF11-related condition.

Allele frequency attached by ClinVar (database versions not stated): gnomAD exomes 0.00054; ExAC 0.00067; ESP Exome Variant Server 0.00203; gnomAD 0.00316; TOPMed 0.00321; 1000 Genomes Project 30x 0.00344; 1000 Genomes Project 0.00379.
gnomAD v4.1: 844 of 1,543,684 alleles (0.055%); highest among the groups gnomAD compares: African/African-American, 1.1%; 5 homozygotes.

Submissions (5):

Labcorp Genetics (formerly Invitae), Labcorp
Classification: Likely benign. Last evaluated: 2026-01-25. Review status: criteria provided, single submitter. Criteria: Invitae Variant Classification Sherloc (09022015). Collection method: clinical testing. Allele origin: germline.

Blueprint Genetics
Classification: Likely benign. Last evaluated: 2024-10-09. Review status: criteria provided, single submitter. Criteria: ACMG Guidelines, 2015. Collection method: clinical testing. Allele origin: germline.

Illumina Laboratory Services, Illumina
Classification: Likely benign for Autosomal recessive osteopetrosis 2. Last evaluated: 2018-01-12. Review status: criteria provided, single submitter. Criteria: ICSL Variant Classification Criteria 13 December 2019. Collection method: clinical testing. Allele origin: germline.
Comment: This variant was observed in the ICSL laboratory as part of a predisposition screen in an ostensibly healthy population. It had not been previously curated by ICSL or reported in the Human Gene Mutation Database (HGMD: prior to June 1st, 2018), and was therefore a candidate for classification through an automated scoring system. Utilizing variant allele frequency, disease prevalence and penetrance estimates, and inheritance mode, an automated score was calculated to assess if this variant is too frequent to cause the disease. Based on the score and internal cut-off values, a variant classified as likely benign is not then subjected to further curation. The score for this variant resulted in a classification of likely benign for this disease.

Breakthrough Genomics
Classification: Likely benign. Review status: criteria provided, single submitter. Criteria: ACMG Guidelines, 2015. Collection method: not provided. Allele origin: germline. Inheritance: Autosomal recessive inheritance. Affected: yes.

PreventionGenetics, part of Exact Sciences
Classification: Benign for TNFSF11-related condition. Last evaluated: 2019-07-29. Review status: no assertion criteria provided. Collection method: clinical testing. Allele origin: germline. Not counted in ClinVar's aggregate classification.
Comment: This variant is classified as benign based on ACMG/AMP sequence variant interpretation guidelines (Richards et al. 2015 PMID: 25741868, with internal and published modifications).